The following is an entry in ClinVar:

ClinVar aggregate classification (germline): Benign. Review status: criteria provided, multiple submitters, no conflicts (2 of 4 stars). 2 submissions from 2 submitters: Benign (2). Last evaluated 2026-01-21.

Allele frequency attached by ClinVar (database versions not stated): ESP Exome Variant Server 0.48017; gnomAD 0.51764; TOPMed 0.52311; ExAC 0.55227; 1000 Genomes Project 30x 0.57651; 1000 Genomes Project 0.58267.
gnomAD v4.1: 792,253 of 1,540,650 alleles (51%); highest among the groups gnomAD compares: East Asian, 86%; 207,919 homozygotes.

Submissions (2):

Women's Health and Genetics/Laboratory Corporation of America, LabCorp
Classification: Benign. Last evaluated: 2026-01-21. Review status: criteria provided, single submitter. Criteria: LabCorp Variant Classification Summary - May 2015. Collection method: clinical testing. Allele origin: germline.

Unidad de Genómica Garrahan, Hospital de Pediatría Garrahan
Classification: Benign. Last evaluated: 2024-01-24. Review status: criteria provided, single submitter. Criteria: ACMG Guidelines, 2015. Collection method: clinical testing. Allele origin: germline. Affected: no. Observed: 78 variant alleles.
Comment: This variant is classified as Benign based on local population frequency. This variant was detected in 82% of patients studied by a panel of primary immunodeficiencies. Number of patients: 78. Only high quality variants are reported.

NM_005565.5(LCP2):c.523+16C>T

Gene: LCP2 (lymphocyte cytosolic protein 2; minus strand). Cytogenetic location: 5q35.1.
Variant type: single nucleotide variant.
Coding change: c.523+16C>T on transcript NM_005565.5 (MANE Select); 16 bases into the intron after coding-DNA position 523, C replaced by T.
Molecular consequence: intron variant.
Genome position (GRCh38, 1-based): chr5:170,270,703, G>A on the plus strand (C>T on the coding strand, the complement: LCP2 is on the minus strand). VCF-style: chr5-170270703-G-A. GRCh37 (hg19) VCF-style: chr5-169697707-G-A.
Identifiers: ClinVar variation 2687975 (VCV002687975.3), dbSNP rs315745, ClinGen allele CA3555696.